The following is an entry in ClinVar:

NM_007375.4(TARDBP):c.*83T>C

Gene: TARDBP (TAR DNA binding protein; plus strand). Cytogenetic location: 1p36.22.
Variant type: single nucleotide variant.
Coding change: c.*83T>C on transcript NM_007375.4 (MANE Select); 83 bases downstream of the stop codon, T replaced by C.
Molecular consequence: 3 prime UTR variant.
Genome position (GRCh38, 1-based): chr1:11,022,737, T>C. VCF-style: chr1-11022737-T-C. GRCh37 (hg19) VCF-style: chr1-11082794-T-C.
Identifiers: ClinVar variation 21465 (VCV000021465.4), dbSNP rs80356744, ClinGen allele CA342120.

ClinVar aggregate classification (germline): Uncertain significance. Review status: criteria provided, single submitter (1 of 4 stars). 2 submissions from 2 submitters: Uncertain significance (1). 1 of the submissions does not count toward it. Last evaluated 2025-04-07.

Conditions:
TARDBP-related disorder. Also called: TARDBP-related condition.
Amyotrophic lateral sclerosis type 10 (ALS10). Also called: TARDBP-Related Amyotrophic Lateral Sclerosis-Frontotemporal Dementia; AMYOTROPHIC LATERAL SCLEROSIS 10 WITH OR WITHOUT FRONTOTEMPORAL DEMENTIA AND WITH TDP43 INCLUSIONS; AMYOTROPHIC LATERAL SCLEROSIS 10 WITH OR WITHOUT FRONTOTEMPORAL DEMENTIA; Amyotrophic lateral sclerosis 10, with or without FTD; AMYOTROPHIC LATERAL SCLEROSIS 10 WITHOUT FRONTOTEMPORAL DEMENTIA AND WITH TDP43 INCLUSIONS. Identifiers: Orphanet 275872, Orphanet 803, MedGen C2677565, MONDO:0012790, OMIM 612069.

Allele frequency attached by ClinVar (database versions not stated): gnomAD exomes 0.00001; TOPMed 0.00002; gnomAD 0.00004 and 0.00005.
gnomAD v4.1: 20 of 1,523,352 alleles (0.0013%); highest among the groups gnomAD compares: Admixed American, 0.0088%; no homozygotes.

Submissions (2):

PreventionGenetics, part of Exact Sciences
Classification: Uncertain significance for TARDBP-related condition. Last evaluated: 2025-04-07. Review status: criteria provided, single submitter. Criteria: ACMG Guidelines, 2015. Collection method: clinical testing. Allele origin: germline.
Comment: The TARDBP c.*83T>C variant is located in the 3' untranslated region. This variant has not been reported in a large population database (gnomAD), indicating this variant is rare. At this time, the clinical significance of this variant is uncertain due to the absence of conclusive functional and genetic evidence.

GeneReviews
No classification provided. Condition: Amyotrophic lateral sclerosis type 10. Review status: no classification provided. Collection method: literature only. Allele origin: unknown. Not counted in ClinVar's aggregate classification.

Literature cited by the submitters: PubMed 18931000 (cited by GeneReviews); PubMed 20301761 (cited by GeneReviews); NCBI Bookshelf NBK5942 (cited by GeneReviews).